The following is an entry in ClinVar:

ClinVar aggregate classification (germline): Uncertain significance (1 of 4 stars; one submission).

Allele frequency attached by ClinVar (database versions not stated): gnomAD exomes below 0.00001; TOPMed 0.00001.
gnomAD v4.1: 2 of 1,614,168 alleles (0.00012%); highest among the groups gnomAD compares: East Asian, 0.0022%; no homozygotes.

Submission:

Labcorp Genetics (formerly Invitae), Labcorp
Classification: Uncertain significance. Last evaluated: 2024-10-26. Review status: criteria provided, single submitter. Criteria: Invitae Variant Classification Sherloc (09022015). Collection method: clinical testing. Allele origin: germline.
Comment: This sequence change replaces isoleucine, which is neutral and non-polar, with valine, which is neutral and non-polar, at codon 800 of the ZEB1 protein (p.Ile800Val). This variant is not present in population databases (gnomAD no frequency). This variant has not been reported in the literature in individuals affected with ZEB1-related conditions. ClinVar contains an entry for this variant (Variation ID: 1954648). Invitae Evidence Modeling of protein sequence and biophysical properties (such as structural, functional, and spatial information, amino acid conservation, physicochemical variation, residue mobility, and thermodynamic stability) indicates that this missense variant is not expected to disrupt ZEB1 protein function with a negative predictive value of 80%. In summary, the available evidence is currently insufficient to determine the role of this variant in disease. Therefore, it has been classified as a Variant of Uncertain Significance.

NM_001174096.2(ZEB1):c.2401A>G (p.Ile801Val)

Gene: ZEB1 (zinc finger E-box binding homeobox 1; plus strand). Cytogenetic location: 10p11.22.
Variant type: single nucleotide variant.
Coding change: c.2401A>G on transcript NM_001174096.2 (MANE Select); coding-DNA position 2401, A replaced by G.
Protein change: p.Ile801Val; replaces isoleucine 801 with valine.
Molecular consequence: missense variant.
Genome position (GRCh38, 1-based): chr10:31,521,733, A>G. VCF-style: chr10-31521733-A-G. GRCh37 (hg19) VCF-style: chr10-31810661-A-G.
Other names: c.1744A>G, p.Ile582Val (NM_001323638.2, NM_001323641.2, NM_001323642.2 and 27 more transcripts); c.2350A>G, p.Ile784Val (NM_001128128.3); c.2338A>G, p.Ile780Val (NM_001174093.2); c.2347A>G, p.Ile783Val (NM_001174094.2); c.2197A>G, p.Ile733Val (NM_001174095.2); c.2176A>G, p.Ile726Val (NM_001323674.2); c.2134A>G, p.Ile712Val (NM_001323675.2); c.2359A>G, p.Ile787Val (NM_001323676.2); and 3 more; short protein forms I709V, I726V, I780V, I787V, I582V, I783V, I784V, I800V.
Identifiers: ClinVar variation 1954648 (VCV001954648.5), dbSNP rs1049711305, ClinGen allele CA205395418.
Genomic context (GRCh38, chr10:31,521,733, plus strand): 5'-GACAGTTGTGTTACAGACTCAGAACCAGTTGTAAATGTAATCCCACCAAGTGCCAACCCC[A>G]TAAATATCGCTATACCTACAGTCACTGCCCAGTTACCCACAATCGTGGCCATTGCTGACC-3'
Protein context (NP_001167567.1, residues 791-811): VNVIPPSANP[Ile801Val]NIAIPTVTAQ